The following is an entry in ClinVar:

NM_001113491.2(SEPTIN9):c.802C>T (p.Arg268Trp)

Gene: SEPTIN9 (septin 9; plus strand). Cytogenetic location: 17q25.3.
Variant type: single nucleotide variant.
Coding change: c.802C>T on transcript NM_001113491.2 (MANE Select); coding-DNA position 802, C replaced by T.
Protein change: p.Arg268Trp; replaces arginine 268 with tryptophan.
Molecular consequence: missense variant.
Genome position (GRCh38, 1-based): chr17:77,482,224, C>T. VCF-style: chr17-77482224-C-T. GRCh37 (hg19) VCF-style: chr17-75478306-C-T.
Other names: c.310C>T, p.Arg104Trp (NM_001113492.2, NM_001113494.1); c.781C>T, p.Arg261Trp (NM_001113493.2); c.49C>T, p.Arg17Trp (NM_001113495.2, NM_001113496.2, NM_001293697.2 and 1 more transcripts); c.745C>T, p.Arg249Trp (NM_001293695.2); c.130C>T, p.Arg44Trp (NM_001293696.2); c.748C>T, p.Arg250Trp (NM_006640.5); short protein forms R249W, R261W, R104W, R17W, R250W, R268W, R44W.
Identifiers: ClinVar variation 889088 (VCV000889088.6), dbSNP rs762063100, ClinGen allele CA8793528.

ClinVar aggregate classification (germline): Uncertain significance. Review status: criteria provided, multiple submitters, no conflicts (2 of 4 stars). 2 submissions from 2 submitters: Uncertain significance (2). Last evaluated 2024-12-02.

Conditions:
Amyotrophic neuralgia (HNA). Also called: Hereditary Brachial Plexus Neuropathy; Neuritis with Brachial Predilection; AMYOTROPHY, HEREDITARY NEURALGIC, WITH PREDILECTION FOR BRACHIAL PLEXUS; AMYOTROPHY, HEREDITARY NEURALGIC. Identifiers: Orphanet 2901, MedGen C1834304, MONDO:0008076, OMIM 162100.

Allele frequency attached by ClinVar (database versions not stated): gnomAD exomes 0.00001 and 0.00002; ExAC 0.00002; gnomAD 0.00002 and 0.00003; TOPMed 0.00002.
gnomAD v4.1: 29 of 1,612,762 alleles (0.0018%); highest among the groups gnomAD compares: East Asian, 0.0089%; no homozygotes.

Submissions (2):

Labcorp Genetics (formerly Invitae), Labcorp
Classification: Uncertain significance. Last evaluated: 2024-12-02. Review status: criteria provided, single submitter. Criteria: Invitae Variant Classification Sherloc (09022015). Collection method: clinical testing. Allele origin: germline.
Comment: This sequence change replaces arginine, which is basic and polar, with tryptophan, which is neutral and slightly polar, at codon 250 of the SEPT9 protein (p.Arg250Trp). This variant is present in population databases (rs762063100, gnomAD 0.002%). This variant has not been reported in the literature in individuals affected with SEPT9-related conditions. ClinVar contains an entry for this variant (Variation ID: 889088). Invitae Evidence Modeling of protein sequence and biophysical properties (such as structural, functional, and spatial information, amino acid conservation, physicochemical variation, residue mobility, and thermodynamic stability) indicates that this missense variant is not expected to disrupt SEPT9 protein function with a negative predictive value of 80%. In summary, the available evidence is currently insufficient to determine the role of this variant in disease. Therefore, it has been classified as a Variant of Uncertain Significance.

Illumina Laboratory Services, Illumina
Classification: Uncertain significance for Amyotrophy, hereditary neuralgic. Last evaluated: 2018-01-12. Review status: criteria provided, single submitter. Criteria: ICSL Variant Classification Criteria 13 December 2019. Collection method: clinical testing. Allele origin: germline.